The following is an entry in ClinVar:

ClinVar aggregate classification (germline): Likely benign. Review status: criteria provided, multiple submitters, no conflicts (2 of 4 stars). 3 submissions from 3 submitters: Likely benign (2). 1 of the submissions does not count toward it. Last evaluated 2022-03-10.

Conditions:
UMOD-related disorder. Also called: UMOD-related condition.
Familial juvenile hyperuricemic nephropathy type 1 (ADTKD1). Also called: Autosomal Dominant Tubulointerstitial Kidney Disease – UMOD; UMOD-Associated Kidney Disease; Uromodulin-associated kidney disease; Glomerulocystic kidney disease with hyperuricemia and isosthenuria; Medullary cystic kidney disease 2. Identifiers: Orphanet 209886, Orphanet 34149, Orphanet 88950, MedGen C4551496, MONDO:0008073, OMIM 162000.

Allele frequency attached by ClinVar (database versions not stated): ExAC 0.00004; gnomAD exomes 0.00004; TOPMed 0.00003.
gnomAD v4.1: 70 of 1,613,862 alleles (0.0043%); highest among the groups gnomAD compares: Admixed American, 0.017%; no homozygotes.

Submissions (3):

Fulgent Genetics
Classification: Likely benign for Familial juvenile hyperuricemic nephropathy type 1. Last evaluated: 2022-03-10. Review status: criteria provided, single submitter. Criteria: ACMG Guidelines, 2015. Collection method: clinical testing. Allele origin: unknown.

Labcorp Genetics (formerly Invitae), Labcorp
Classification: Likely benign. Last evaluated: 2019-08-31. Review status: criteria provided, single submitter. Criteria: Invitae Variant Classification Sherloc (09022015). Collection method: clinical testing. Allele origin: germline.

PreventionGenetics, part of Exact Sciences
Classification: Likely benign for UMOD-related condition. Last evaluated: 2023-01-13. Review status: no assertion criteria provided. Collection method: clinical testing. Allele origin: germline. Not counted in ClinVar's aggregate classification.
Comment: This variant is classified as likely benign based on ACMG/AMP sequence variant interpretation guidelines (Richards et al. 2015 PMID: 25741868, with internal and published modifications).

NM_003361.4(UMOD):c.1362C>A (p.Gly454=)

Gene: UMOD (uromodulin; minus strand). Cytogenetic location: 16p12.3.
Variant type: single nucleotide variant.
Coding change: c.1362C>A on transcript NM_003361.4 (MANE Select); coding-DNA position 1362, C replaced by A.
Protein change: p.Gly454=; no amino-acid change (glycine 454 retained).
Molecular consequence: synonymous variant. On other transcripts: non-coding transcript variant (1).
Genome position (GRCh38, 1-based): chr16:20,341,306, G>T on the plus strand (C>A on the coding strand, the complement: UMOD is on the minus strand). VCF-style: chr16-20341306-G-T. GRCh37 (hg19) VCF-style: chr16-20352628-G-T.
Other names: c.1362C>A, p.Gly454= (NM_001378232.1, NM_001378233.1, NM_001008389.3); c.1503C>A, p.Gly501= (NM_001378234.1, NM_001378235.1); c.1362C>A (NM_003361.3); c.1461C>A, p.Gly487= (NM_001278614.2).
Identifiers: ClinVar variation 1078667 (VCV001078667.12), dbSNP rs770875763, ClinGen allele CA7939165.